The following is an entry in ClinVar:

NM_014425.5(INVS):c.2720G>A (p.Arg907Gln)

Gene: INVS (inversin; plus strand). Cytogenetic location: 9q31.1.
Variant type: single nucleotide variant.
Coding change: c.2720G>A on transcript NM_014425.5 (MANE Select); coding-DNA position 2720, G replaced by A.
Protein change: p.Arg907Gln; replaces arginine 907 with glutamine.
Molecular consequence: missense variant. On other transcripts: non-coding transcript variant (1).
Genome position (GRCh38, 1-based): chr9:100,292,977, G>A. VCF-style: chr9-100292977-G-A. GRCh37 (hg19) VCF-style: chr9-103055259-G-A.
Other names: c.2432G>A, p.Arg811Gln (NM_001318381.2); c.1742G>A, p.Arg581Gln (NM_001318382.2); c.2720G>A (NM_014425.4, NM_014425.2); short protein forms R907Q, R811Q, R581Q.
Identifiers: ClinVar variation 933845 (VCV000933845.11), dbSNP rs781064013, ClinGen allele CA5158682.

ClinVar aggregate classification (germline): Uncertain significance. Review status: criteria provided, multiple submitters, no conflicts (2 of 4 stars). 4 submissions from 4 submitters: Uncertain significance (4). Last evaluated 2025-08-04.

Conditions:
INVS-related disorder. Also called: INVS-related condition.
Inborn genetic diseases. Identifiers: MedGen C0950123, MeSH D030342.
Infantile nephronophthisis (NPHP2). Also called: Nephronophthisis 2; Nephronophthisis 2, infantile. Identifiers: Orphanet 655, Orphanet 93591, MedGen C1865872, MONDO:0011190, OMIM 602088.
Nephronophthisis. Also called: Juvenile Nephronophthisis. Identifiers: Orphanet 655, MedGen C0687120, MONDO:0019005, HP:0000090.

Allele frequency attached by ClinVar (database versions not stated): gnomAD 0.00006 and 0.00007; ExAC 0.00007; gnomAD exomes 0.00010; TOPMed 0.00010.
gnomAD v4.1: 111 of 1,613,546 alleles (0.0069%); highest among the groups gnomAD compares: East Asian, 0.031%; no homozygotes.

Submissions (4):

PreventionGenetics, part of Exact Sciences
Classification: Uncertain significance for INVS-related condition. Last evaluated: 2025-08-04. Review status: criteria provided, single submitter. Criteria: ACMG Guidelines, 2015. Collection method: clinical testing. Allele origin: germline.
Comment: The INVS c.2720G>A variant is predicted to result in the amino acid substitution p.Arg907Gln. To our knowledge, this variant has not been reported in the literature. This variant is reported in 0.095% of alleles in individuals of East Asian descent in gnomAD. At this time, the clinical significance of this variant is uncertain due to the absence of conclusive functional and genetic evidence.

Ambry Genetics
Classification: Uncertain significance for Inborn genetic diseases. Last evaluated: 2024-04-12. Review status: criteria provided, single submitter. Criteria: Ambry Variant Classification Scheme 2023. Collection method: clinical testing. Allele origin: germline.

Labcorp Genetics (formerly Invitae), Labcorp
Classification: Uncertain significance for Nephronophthisis. Last evaluated: 2022-09-27. Review status: criteria provided, single submitter. Criteria: Invitae Variant Classification Sherloc (09022015). Collection method: clinical testing. Allele origin: germline.
Comment: This sequence change replaces arginine, which is basic and polar, with glutamine, which is neutral and polar, at codon 907 of the INVS protein (p.Arg907Gln). This variant is present in population databases (rs781064013, gnomAD 0.1%). This variant has not been reported in the literature in individuals affected with INVS-related conditions. ClinVar contains an entry for this variant (Variation ID: 933845). Algorithms developed to predict the effect of missense changes on protein structure and function are either unavailable or do not agree on the potential impact of this missense change (SIFT: "Deleterious"; PolyPhen-2: "Probably Damaging"; Align-GVGD: "Class C0"). In summary, the available evidence is currently insufficient to determine the role of this variant in disease. Therefore, it has been classified as a Variant of Uncertain Significance.

Fulgent Genetics
Classification: Uncertain significance for Infantile nephronophthisis. Last evaluated: 2021-10-27. Review status: criteria provided, single submitter. Criteria: ACMG Guidelines, 2015. Collection method: clinical testing. Allele origin: unknown.